The following is an entry in ClinVar:

ClinVar aggregate classification (germline): Pathogenic/Likely pathogenic. Review status: criteria provided, multiple submitters, no conflicts (2 of 4 stars). 2 submissions from 2 submitters: Pathogenic (1); Likely pathogenic (1). Last evaluated 2026-01-19.

Conditions:
Nemaline myopathy 2 (NEM2). Also called: Nemaline myopathy 2, autosomal recessive. Identifiers: MedGen C1850569, MONDO:0009725, OMIM 256030.

Submissions (2):

Labcorp Genetics (formerly Invitae), Labcorp
Classification: Pathogenic for Nemaline myopathy 2. Last evaluated: 2026-01-19. Review status: criteria provided, single submitter. Criteria: Invitae Variant Classification Sherloc (09022015). Collection method: clinical testing. Allele origin: germline.
Comment: This sequence change creates a premature translational stop signal (p.Ile892Thrfs*64) in the NEB gene. It is expected to result in an absent or disrupted protein product. Loss-of-function variants in NEB are known to be pathogenic (PMID: 25205138). This variant is not present in population databases (gnomAD no frequency). This variant has not been reported in the literature in individuals affected with NEB-related conditions. ClinVar contains an entry for this variant (Variation ID: 1453328). For these reasons, this variant has been classified as Pathogenic.

Natera, Inc.
Classification: Likely pathogenic for Nemaline myopathy type 2. Last evaluated: 2025-12-22. Review status: criteria provided, single submitter. Criteria: Natera Variant Classification Schema (03/2026). Collection method: clinical testing. Allele origin: germline.
Comment: The c.2675_2678del variant in NEB is a frameshift variant predicted to shift the reading frame beginning at codon 892 and leads to a stop codon 64 codons downstream. This variant is expected to result in nonsense mediated decay, truncation, or a dysfunctional protein product. This variant is rare in the general population with a frequency below the threshold expected for the associated phenotype(s). Given the available evidence, this variant is classified as Likely Pathogenic.

Literature cited by the submitters: PubMed 25205138 (cited by Labcorp Genetics (formerly Invitae), Labcorp).

NM_001164508.2(NEB):c.2675_2678del (p.Ile892fs)

Gene: NEB (nebulin; minus strand). Cytogenetic location: 2q23.3.
Variant type: Deletion.
Coding change: c.2675_2678del on transcript NM_001164508.2 (MANE Select); coding-DNA positions 2675 to 2678, 4 bases deleted (TCTA; older notation c.2675_2678delTCTA).
Protein change: p.Ile892fs; shifts the reading frame from isoleucine 892.
Molecular consequence: frameshift variant.
Genome position (GRCh38, 1-based): chr2:151,684,935-151,684,938, TAGA deleted on the plus strand (TCTA on the coding strand, the reverse complement: NEB is on the minus strand); deleting any 4 consecutive bases within chr2:151,684,935-151,684,941 gives the same sequence; the c. name uses the placement nearest the transcript's 3' end. VCF-style (leftmost placement, unchanged base first): chr2-151684934-GTAGA-G. GRCh37 (hg19) VCF-style: chr2-152541448-GTAGA-G.
Other names: c.2675_2678del, p.Ile892fs (NM_001164507.2, NM_001271208.2, NM_004543.5); c.2675_2678del (NM_001271208.1); short protein forms I892fs.
Identifiers: ClinVar variation 1453328 (VCV001453328.7), dbSNP rs2148844303, ClinGen allele CA2573133235.
Genomic context (GRCh38, chr2:151,684,934, plus strand): 5'-GCTGGCAATTGCCTGAGATTTCTTAGCTTGAGTGACTTGGAGCATATCAAGAGGTGCCGT[GTAGA>G]TAGTTTTTGACTTTTCATAATCTTTTCGATATTCGCGCTGTGAATAGGAAATTATCATTT-3'